The following is an entry in ClinVar:

ClinVar aggregate classification (germline): Uncertain significance (1 of 4 stars; one submission).

Submission:

Labcorp Genetics (formerly Invitae), Labcorp
Classification: Uncertain significance. Last evaluated: 2025-11-11. Review status: criteria provided, single submitter. Criteria: Invitae Variant Classification Sherloc (09022015). Collection method: clinical testing. Allele origin: germline.
Comment: This sequence change replaces asparagine, which is neutral and polar, with serine, which is neutral and polar, at codon 58 of the SLCO5A1 protein (p.Asn58Ser). This variant is present in population databases (no rsID available, gnomAD 0.007%). This variant has not been reported in the literature in individuals affected with SLCO5A1-related conditions. ClinVar contains an entry for this variant (Variation ID: 1920875). An algorithm developed to predict the effect of missense changes on protein structure and function (PolyPhen-2) suggests that this variant is likely to be tolerated. In summary, the available evidence is currently insufficient to determine the role of this variant in disease. Therefore, it has been classified as a Variant of Uncertain Significance.

NM_030958.3(SLCO5A1):c.173A>G (p.Asn58Ser)

Gene: SLCO5A1 (solute carrier organic anion transporter family member 5A1; minus strand). Cytogenetic location: 8q13.3.
Variant type: single nucleotide variant.
Coding change: c.173A>G on transcript NM_030958.3 (MANE Select); coding-DNA position 173, A replaced by G.
Protein change: p.Asn58Ser; replaces asparagine 58 with serine.
Molecular consequence: missense variant.
Genome position (GRCh38, 1-based): chr8:69,832,501, T>C on the plus strand (A>G on the coding strand, the complement: SLCO5A1 is on the minus strand). VCF-style: chr8-69832501-T-C. GRCh37 (hg19) VCF-style: chr8-70744736-T-C.
Other names: c.173A>G, p.Asn58Ser (NM_001146008.2, NM_001146009.1); short protein forms N58S.
Identifiers: ClinVar variation 1920875 (VCV001920875.5), dbSNP rs753631880, ClinGen allele CA371268209.